The following is an entry in ClinVar:

NM_001267550.2(TTN):c.81007T>C (p.Cys27003Arg)

Genes: TTN (titin; minus strand), TTN-AS1 (TTN antisense RNA 1; plus strand). Cytogenetic location: 2q31.2.
Variant type: single nucleotide variant.
Coding change: c.81007T>C on transcript NM_001267550.2 (MANE Select); coding-DNA position 81007, T replaced by C.
Protein change: p.Cys27003Arg; replaces cysteine 27003 with arginine.
Molecular consequence: missense variant.
Genome position (GRCh38, 1-based): chr2:178,565,125, A>G on the plus strand (T>C on the coding strand, the complement: TTN is on the minus strand). VCF-style: chr2-178565125-A-G. GRCh37 (hg19) VCF-style: chr2-179429852-A-G.
Other names: c.76084T>C, p.Cys25362Arg (NM_001256850.1); c.53812T>C, p.Cys17938Arg (NM_003319.4); c.73303T>C, p.Cys24435Arg (NM_133378.4); c.54187T>C, p.Cys18063Arg (NM_133432.3); c.54388T>C, p.Cys18130Arg (NM_133437.4); short protein forms C17938R, C18063R, C18130R, C24435R, C25362R, C27003R.
Identifiers: ClinVar variation 3768077 (VCV003768077.1).

ClinVar aggregate classification (germline): Uncertain significance (1 of 4 stars; one submission).

Submission:

Women's Health and Genetics/Laboratory Corporation of America, LabCorp
Classification: Uncertain significance. Last evaluated: 2024-12-12. Review status: criteria provided, single submitter. Criteria: LabCorp Variant Classification Summary - May 2015. Collection method: clinical testing. Allele origin: germline.
Comment: Variant summary: TTN c.73303T>C in NM_133378 (p.Cys24435Arg, exon 275) (also reported as c.81007T>C p.Cys27003Arg in exon 326 of NM_001267550) results in a non-conservative amino acid change located in the A-band region of the encoded protein sequence. Three of four in-silico tools predict a damaging effect of the variant on protein function. This variant is located in the A-band region with a maximum skeletal muscle PSI of 0.97 in PMID 39198997 and maximum cardiac muscle PSI of 1 in an online resource. The variant was absent in 248070 control chromosomes. The available data on variant occurrences in the general population are insufficient to allow any conclusion about variant significance. To our knowledge, no occurrence of c.73303T>C in individuals affected with Autosomal Recessive Titinopathy and no experimental evidence demonstrating its impact on protein function have been reported. No submitters have cited clinical-significance assessments for this variant to ClinVar. Based on the evidence outlined above, the variant was classified as uncertain significance.